The following is an entry in ClinVar:

NM_001353345.2(SETD1B):c.3773G>T (p.Gly1258Val)

Gene: SETD1B (SET domain containing 1B, histone lysine methyltransferase; plus strand). Cytogenetic location: 12q24.31.
Variant type: single nucleotide variant.
Coding change: c.3773G>T on transcript NM_001353345.2 (MANE Select); coding-DNA position 3773, G replaced by T.
Protein change: p.Gly1258Val; replaces glycine 1258 with valine.
Molecular consequence: missense variant.
Genome position (GRCh38, 1-based): chr12:121,819,758, G>T. VCF-style: chr12-121819758-G-T. GRCh37 (hg19) VCF-style: chr12-122257664-G-T.
Other names: short protein forms G1258V.
Identifiers: ClinVar variation 5037036 (VCV005037036.1).
Genomic context (GRCh38, chr12:121,819,758, plus strand): 5'-CTGAGGCTGTGGCCCCTGAGGAGCGGCCCTCCATGCTGGACGAGCCCCCCTTGCCTGTGG[G>T]TGTTGAAGAGCCAGCGGACTCCAGGGAGCCGCCTGAGGAACCAGGCCTGAGCCAGGAAGG-3'
Protein context (NP_001340274.1, residues 1248-1268): SMLDEPPLPV[Gly1258Val]VEEPADSREP

ClinVar aggregate classification (germline): Uncertain significance (1 of 4 stars; one submission).

Submission:

GeneDx
Classification: Uncertain significance. Last evaluated: 2026-04-13. Review status: criteria provided, single submitter. Criteria: GeneDx Variant Classification Process June 2021. Collection method: clinical testing. Allele origin: germline.
Comment: Not observed at significant frequency in large population cohorts (gnomAD); In silico analysis supports that this missense variant has a deleterious effect on protein structure/function; Has not been previously published as pathogenic or benign to our knowledge